The following is an entry in ClinVar:

NM_001267550.2(TTN):c.56311G>A (p.Gly18771Arg)

Genes: TTN (titin; minus strand), TTN-AS1 (TTN antisense RNA 1; plus strand). Cytogenetic location: 2q31.2.
Variant type: single nucleotide variant.
Coding change: c.56311G>A on transcript NM_001267550.2 (MANE Select); coding-DNA position 56311, G replaced by A.
Protein change: p.Gly18771Arg; replaces glycine 18771 with arginine.
Molecular consequence: missense variant.
Genome position (GRCh38, 1-based): chr2:178,599,590, C>T on the plus strand (G>A on the coding strand, the complement: TTN is on the minus strand). VCF-style: chr2-178599590-C-T. GRCh37 (hg19) VCF-style: chr2-179464317-C-T.
Other names: c.51388G>A, p.Gly17130Arg (NM_001256850.1); c.29116G>A, p.Gly9706Arg (NM_003319.4); c.48607G>A, p.Gly16203Arg (NM_133378.4); c.29491G>A, p.Gly9831Arg (NM_133432.3); c.29692G>A, p.Gly9898Arg (NM_133437.4); short protein forms G17130R, G18771R, G9898R, G16203R, G9706R, G9831R.
Identifiers: ClinVar variation 1797585 (VCV001797585.2), dbSNP rs2469900712, ClinGen allele CA349533132.

ClinVar aggregate classification (germline): Uncertain significance (1 of 4 stars; one submission).

Conditions:
Cardiovascular phenotype. Identifiers: MedGen CN230736.

Submission:

Ambry Genetics
Classification: Uncertain significance for Cardiovascular phenotype. Last evaluated: 2020-05-11. Review status: criteria provided, single submitter. Criteria: Ambry Variant Classification Scheme 2023. Collection method: clinical testing. Allele origin: germline.
Comment: The p.G9706R variant (also known as c.29116G>A), located in coding exon 116 of the TTN gene, results from a G to A substitution at nucleotide position 29116. The glycine at codon 9706 is replaced by arginine, an amino acid with dissimilar properties. This amino acid position is highly conserved in available vertebrate species. In addition, the in silico prediction for this alteration is inconclusive. Since supporting evidence is limited at this time, the clinical significance of this alteration remains unclear.